The following is an entry in ClinVar:

NM_001033046.4(CYBC1):c.500A>C (p.Glu167Ala)

Gene: CYBC1 (cytochrome b-245 chaperone 1; minus strand). Cytogenetic location: 17q25.3.
Variant type: single nucleotide variant.
Coding change: c.500A>C on transcript NM_001033046.4 (MANE Select); coding-DNA position 500, A replaced by C.
Protein change: p.Glu167Ala; replaces glutamic acid 167 with alanine.
Molecular consequence: missense variant. On other transcripts: non-coding transcript variant (4).
Genome position (GRCh38, 1-based): chr17:82,444,068, T>G on the plus strand (A>C on the coding strand, the complement: CYBC1 is on the minus strand). VCF-style: chr17-82444068-T-G. GRCh37 (hg19) VCF-style: chr17-80401944-T-G.
Other names: c.500A>C, p.Glu167Ala (NM_001100407.3, NM_001193653.2, NM_001193654.2 and 2 more transcripts); c.458A>C, p.Glu153Ala (NM_001100408.3); short protein forms E167A, E153A.
Identifiers: ClinVar variation 2067501 (VCV002067501.1), dbSNP rs150603104, ClinGen allele CA8858159.

ClinVar aggregate classification (germline): Uncertain significance (1 of 4 stars; one submission).

Allele frequency attached by ClinVar (database versions not stated): ExAC 0.00006; TOPMed 0.00008; gnomAD 0.00009; 1000 Genomes Project 0.00040; 1000 Genomes Project 30x 0.00047.
gnomAD v4.1: 219 of 1,613,640 alleles (0.014%); highest among the groups gnomAD compares: Non-Finnish European, 0.017%; no homozygotes.

Submission:

Labcorp Genetics (formerly Invitae), Labcorp
Classification: Uncertain significance. Last evaluated: 2022-07-23. Review status: criteria provided, single submitter. Criteria: Invitae Variant Classification Sherloc (09022015). Collection method: clinical testing. Allele origin: germline.
Comment: This sequence change replaces glutamic acid, which is acidic and polar, with alanine, which is neutral and non-polar, at codon 167 of the C17orf62 protein (p.Glu167Ala). This variant is present in population databases (rs150603104, gnomAD 0.02%). This variant has not been reported in the literature in individuals affected with C17orf62-related conditions. Algorithms developed to predict the effect of missense changes on protein structure and function (SIFT, PolyPhen-2, Align-GVGD) all suggest that this variant is likely to be tolerated. In summary, the available evidence is currently insufficient to determine the role of this variant in disease. Therefore, it has been classified as a Variant of Uncertain Significance.